The following is an entry in ClinVar:

NM_020937.4(FANCM):c.1933G>A (p.Gly645Ser)

Gene: FANCM (FA complementation group M; plus strand). Cytogenetic location: 14q21.2.
Variant type: single nucleotide variant.
Coding change: c.1933G>A on transcript NM_020937.4 (MANE Select); coding-DNA position 1933, G replaced by A.
Protein change: p.Gly645Ser; replaces glycine 645 with serine.
Molecular consequence: missense variant.
Genome position (GRCh38, 1-based): chr14:45,167,094, G>A. VCF-style: chr14-45167094-G-A. GRCh37 (hg19) VCF-style: chr14-45636297-G-A.
Other names: c.1855G>A, p.Gly619Ser (NM_001308133.2); c.1933G>A, p.Gly645Ser (NM_001308134.2); short protein forms G619S, G645S.
Identifiers: ClinVar variation 2165947 (VCV002165947.4), dbSNP rs1277721813, ClinGen allele CA389595090.
Genomic context (GRCh38, chr14:45,167,094, plus strand): 5'-AGTCCACGAATGGTTCCTGATGGAATCAACCCAAAATTACACAAAATGTTCATCACACAT[G>A]GTGTCTATGAACCAGAGAAGCCTTCTCGGAACTTGCAGCGAAAGTCATCTATCTTTTCCT-3'
Protein context (NP_065988.1, residues 635-655): PKLHKMFITH[Gly645Ser]VYEPEKPSRN

ClinVar aggregate classification (germline): Uncertain significance (1 of 4 stars; one submission).

Conditions:
Fanconi anemia (FA). Also called: Fanconi's anemia. Identifiers: Orphanet 84, MedGen C0015625, MeSH D005199, MONDO:0019391.

gnomAD v4.1: 3 of 1,613,188 alleles (0.00019%); highest among the groups gnomAD compares: Non-Finnish European, 0.00025%; no homozygotes.

Submission:

Labcorp Genetics (formerly Invitae), Labcorp
Classification: Uncertain significance for Fanconi anemia. Last evaluated: 2022-10-04. Review status: criteria provided, single submitter. Criteria: Invitae Variant Classification Sherloc (09022015). Collection method: clinical testing. Allele origin: germline.
Comment: In summary, the available evidence is currently insufficient to determine the role of this variant in disease. Therefore, it has been classified as a Variant of Uncertain Significance. Algorithms developed to predict the effect of missense changes on protein structure and function output the following: SIFT: "Tolerated"; PolyPhen-2: "Benign"; Align-GVGD: "Class C0". The serine amino acid residue is found in multiple mammalian species, which suggests that this missense change does not adversely affect protein function. This variant has not been reported in the literature in individuals affected with FANCM-related conditions. This variant is present in population databases (no rsID available, gnomAD 0.0009%). This sequence change replaces glycine, which is neutral and non-polar, with serine, which is neutral and polar, at codon 645 of the FANCM protein (p.Gly645Ser).